The following is an entry in ClinVar:

NM_014712.3(SETD1A):c.1986C>T (p.Ser662=)

Gene: SETD1A (SET domain containing 1A, histone lysine methyltransferase; plus strand). Cytogenetic location: 16p11.2.
Variant type: single nucleotide variant.
Coding change: c.1986C>T on transcript NM_014712.3 (MANE Select); coding-DNA position 1986, C replaced by T.
Protein change: p.Ser662=; no amino-acid change (serine 662 retained).
Molecular consequence: synonymous variant.
Genome position (GRCh38, 1-based): chr16:30,965,867, C>T. VCF-style: chr16-30965867-C-T. GRCh37 (hg19) VCF-style: chr16-30977188-C-T.
Identifiers: ClinVar variation 3898656 (VCV003898656.7).

ClinVar aggregate classification (germline): Likely benign (1 of 4 stars; one submission).

gnomAD v4.1: 2 of 1,612,668 alleles (0.00012%); highest among the groups gnomAD compares: Non-Finnish European, 0.00017%; no homozygotes.

Submission:

CeGaT Center for Human Genetics Tuebingen
Classification: Likely benign. Last evaluated: 2025-04-01. Review status: criteria provided, single submitter. Criteria: CeGaT Center For Human Genetics Tuebingen Variant Classification Criteria Version 2. Collection method: clinical testing. Allele origin: germline. Affected: yes. Observed: 1 variant allele.
Comment: SETD1A: BP4, BP7